The following is an entry in ClinVar:

NC_000006.11:g.(?_135749747)_(135784464_?)del

Gene: AHI1 (Abelson helper integration site 1; minus strand). Cytogenetic location: 6q23.3.
Variant type: Deletion.
Identifiers: ClinVar variation 2426338 (VCV002426338.5).

ClinVar aggregate classification (germline): Pathogenic (1 of 4 stars; one submission).

Conditions:
Joubert syndrome. Also called: CEREBELLOPARENCHYMAL DISORDER IV; JOUBERT-BOLTSHAUSER SYNDROME; Familial aplasia of the vermis. Identifiers: Orphanet 475, MedGen C5979921, MONDO:0018772.

Submission:

Labcorp Genetics (formerly Invitae), Labcorp
Classification: Pathogenic for Joubert syndrome. Last evaluated: 2021-08-12. Review status: criteria provided, single submitter. Criteria: Invitae Variant Classification Sherloc (09022015). Collection method: clinical testing. Allele origin: germline.
Comment: This variant is a gross deletion of the genomic region encompassing exon(s) 7-18 of the AHI1 gene. This deletion is out-of-frame, and is expected to create a premature termination codon and result in an absent or disrupted protein product. Loss-of-function variants in AHI1 are known to be pathogenic (PMID: 15322546, 16453322, 28442542, 29186038). This variant has not been reported in the literature in individuals affected with AHI1-related conditions. For these reasons, this variant has been classified as Pathogenic.

Literature cited by the submitters: PubMed 15322546; PubMed 16453322; PubMed 28442542; PubMed 29186038.